The following is an entry in ClinVar:

NM_001165963.4(SCN1A):c.4357T>A (p.Tyr1453Asn)

Genes: SCN1A (sodium voltage-gated channel alpha subunit 1; minus strand), LOC102724058 (uncharacterized LOC102724058; plus strand). Cytogenetic location: 2q24.3.
Variant type: single nucleotide variant.
Coding change: c.4357T>A on transcript NM_001165963.4 (MANE Select); coding-DNA position 4357, T replaced by A.
Protein change: p.Tyr1453Asn; replaces tyrosine 1453 with asparagine.
Molecular consequence: missense variant. On other transcripts: non-coding transcript variant (1).
Genome position (GRCh38, 1-based): chr2:165,998,157, A>T on the plus strand (T>A on the coding strand, the complement: SCN1A is on the minus strand). VCF-style: chr2-165998157-A-T. GRCh37 (hg19) VCF-style: chr2-166854667-A-T.
Other names: c.4273T>A, p.Tyr1425Asn (NM_001165964.3, NM_001353957.2, NM_001353958.2); c.4357T>A, p.Tyr1453Asn (NM_001202435.3, NM_001353948.2); c.4324T>A, p.Tyr1442Asn (NM_001353949.2, NM_001353950.2, NM_001353951.2 and 2 more transcripts); c.4321T>A, p.Tyr1441Asn (NM_001353954.2, NM_001353955.2); c.4270T>A, p.Tyr1424Asn (NM_001353960.2); c.1915T>A, p.Tyr639Asn (NM_001353961.2); short protein forms Y1424N, Y1425N, Y1441N, Y1442N, Y1453N, Y639N.
Identifiers: ClinVar variation 3391450 (VCV003391450.1).

ClinVar aggregate classification (germline): Uncertain significance (1 of 4 stars; one submission).

Submission:

GeneDx
Classification: Uncertain significance. Last evaluated: 2024-06-21. Review status: criteria provided, single submitter. Criteria: GeneDx Variant Classification Process June 2021. Collection method: clinical testing. Allele origin: germline. Affected: yes.
Comment: Not observed at significant frequency in large population cohorts (gnomAD); In silico analysis supports that this missense variant has a deleterious effect on protein structure/function; Has not been previously published as pathogenic or benign to our knowledge; This substitution is predicted to be within the extracellular loop between the S5 and S6 transmembrane segments of the third homologous domain.